The following is an entry in ClinVar:

ClinVar aggregate classification (germline): Uncertain significance. Review status: criteria provided, multiple submitters, no conflicts (2 of 4 stars). 3 submissions from 3 submitters: Uncertain significance (3). Last evaluated 2024-01-25.

Conditions:
Rubinstein-Taybi syndrome (RSTS). Identifiers: Orphanet 783, MedGen C0035934, MONDO:0019188.

Allele frequency attached by ClinVar (database versions not stated): gnomAD 0.00001; gnomAD exomes 0.00001; TOPMed 0.00001; ExAC 0.00002.
gnomAD v4.1: 17 of 1,613,152 alleles (0.0011%); highest among the groups gnomAD compares: Non-Finnish European, 0.0014%; no homozygotes.

Submissions (3):

GeneDx
Classification: Uncertain significance. Last evaluated: 2024-01-25. Review status: criteria provided, single submitter. Criteria: GeneDx Variant Classification Process June 2021. Collection method: clinical testing. Allele origin: germline. Affected: yes.
Comment: In silico analysis supports that this missense variant has a deleterious effect on protein structure/function; Has not been previously published as pathogenic or benign to our knowledge

Women's Health and Genetics/Laboratory Corporation of America, LabCorp
Classification: Uncertain significance. Last evaluated: 2023-09-26. Review status: criteria provided, single submitter. Criteria: LabCorp Variant Classification Summary - May 2015. Collection method: clinical testing. Allele origin: germline.
Comment: Variant summary: CREBBP c.1934A>G (p.Asn645Ser) results in a conservative amino acid change located in the Coactivator CBP, KIX domain (IPR003101) of the encoded protein sequence. Three of five in-silico tools predict a damaging effect of the variant on protein function. The variant allele was found at a frequency of 1.2e-05 in 251424 control chromosomes (i.e., 3 heterozygotes; gnomAD v2.1 Exomes dataset). The available data on variant occurrences in the general population are insufficient to allow any conclusion about variant significance. To our knowledge, no experimental evidence demonstrating an impact on protein function has been reported. No submitters have reported clinical-significance assessments for this variant to ClinVar after 2014. Based on the evidence outlined above, the variant was classified as VUS-possibly benign.

Labcorp Genetics (formerly Invitae), Labcorp
Classification: Uncertain significance for Rubinstein-Taybi syndrome. Last evaluated: 2023-05-20. Review status: criteria provided, single submitter. Criteria: Invitae Variant Classification Sherloc (09022015). Collection method: clinical testing. Allele origin: germline.
Comment: In summary, the available evidence is currently insufficient to determine the role of this variant in disease. Therefore, it has been classified as a Variant of Uncertain Significance. Advanced modeling of protein sequence and biophysical properties (such as structural, functional, and spatial information, amino acid conservation, physicochemical variation, residue mobility, and thermodynamic stability) performed at Invitae indicates that this missense variant is expected to disrupt CREBBP protein function. This variant has not been reported in the literature in individuals affected with CREBBP-related conditions. This variant is present in population databases (rs750268668, gnomAD 0.003%). This sequence change replaces asparagine, which is neutral and polar, with serine, which is neutral and polar, at codon 645 of the CREBBP protein (p.Asn645Ser).

NM_004380.3(CREBBP):c.1934A>G (p.Asn645Ser)

Gene: CREBBP (CREB binding lysine acetyltransferase; minus strand). Cytogenetic location: 16p13.3.
Variant type: single nucleotide variant.
Coding change: c.1934A>G on transcript NM_004380.3 (MANE Select); coding-DNA position 1934, A replaced by G.
Protein change: p.Asn645Ser; replaces asparagine 645 with serine.
Molecular consequence: missense variant.
Genome position (GRCh38, 1-based): chr16:3,778,707, T>C on the plus strand (A>G on the coding strand, the complement: CREBBP is on the minus strand). VCF-style: chr16-3778707-T-C. GRCh37 (hg19) VCF-style: chr16-3828708-T-C.
Other names: c.1820A>G, p.Asn607Ser (NM_001079846.1); short protein forms N607S, N645S.
Identifiers: ClinVar variation 2627325 (VCV002627325.5), dbSNP rs750268668, ClinGen allele CA7870327.